The following is an entry in ClinVar:

NM_017649.5(CNNM2):c.2471C>G (p.Thr824Ser)

Gene: CNNM2 (cyclin and CBS domain divalent metal cation transport mediator 2; plus strand). Cytogenetic location: 10q24.32.
Variant type: single nucleotide variant.
Coding change: c.2471C>G on transcript NM_017649.5 (MANE Select); coding-DNA position 2471, C replaced by G.
Protein change: p.Thr824Ser; replaces threonine 824 with serine.
Molecular consequence: missense variant.
Genome position (GRCh38, 1-based): chr10:103,077,023, C>G. VCF-style: chr10-103077023-C-G. GRCh37 (hg19) VCF-style: chr10-104836780-C-G.
Other names: c.2405C>G, p.Thr802Ser (NM_199076.3); short protein forms T802S, T824S.
Identifiers: ClinVar variation 4990259 (VCV004990259.1).
Genomic context (GRCh38, chr10:103,077,023, plus strand): 5'-GGCCCCAGATCTCAAGACAGCAATACCAAAATGCCTTGATGGCATCCCGGATGGACAAAA[C>G]CCCCCAGTCTTCAGACAGTGAAAACACTAAAATCGAATTGACTCTTACGGAGCTGCATGA-3'
Protein context (NP_060119.3, residues 814-834): NALMASRMDK[Thr824Ser]PQSSDSENTK

ClinVar aggregate classification (germline): Uncertain significance (1 of 4 stars; one submission).

Conditions:
CNNM2-related disorder. Also called: CNNM2-related condition.

gnomAD v4.1: 9 of 1,613,418 alleles (0.00056%); highest among the groups gnomAD compares: Non-Finnish European, 0.00068%; no homozygotes.

Submission:

PreventionGenetics, part of Exact Sciences
Classification: Uncertain significance for CNNM2-related condition. Last evaluated: 2025-08-18. Review status: criteria provided, single submitter. Criteria: ACMG Guidelines, 2015. Collection method: clinical testing. Allele origin: germline.
Comment: The CNNM2 c.2471C>G variant is predicted to result in the amino acid substitution p.Thr824Ser. To our knowledge, this variant has not been reported in the literature. This variant is reported in 0.0065% of alleles in individuals of European (Non-Finnish) descent in gnomAD. At this time, the clinical significance of this variant is uncertain due to the absence of conclusive functional and genetic evidence.